The following is an entry in ClinVar:

ClinVar aggregate classification (germline): Uncertain significance. Review status: criteria provided, multiple submitters, no conflicts (2 of 4 stars). 3 submissions from 3 submitters: Uncertain significance (3). Last evaluated 2022-07-25.

Conditions:
Cardiovascular phenotype. Identifiers: MedGen CN230736.
Hypertrophic cardiomyopathy. Also called: HYPERTROPHIC MYOCARDIOPATHY. Identifiers: Orphanet 217569, MedGen C0007194, MeSH D002312, MONDO:0005045, HP:0001639.

Allele frequency attached by ClinVar (database versions not stated): gnomAD exomes below 0.00001 and 0.00001; TOPMed below 0.00001.

Submissions (3):

Labcorp Genetics (formerly Invitae), Labcorp
Classification: Uncertain significance for Hypertrophic cardiomyopathy. Last evaluated: 2022-07-25. Review status: criteria provided, single submitter. Criteria: Invitae Variant Classification Sherloc (09022015). Collection method: clinical testing. Allele origin: germline.
Comment: ClinVar contains an entry for this variant (Variation ID: 423892). This variant has not been reported in the literature in individuals affected with MYOZ2-related conditions. This variant is present in population databases (no rsID available, gnomAD 0.0009%). This sequence change replaces isoleucine, which is neutral and non-polar, with valine, which is neutral and non-polar, at codon 240 of the MYOZ2 protein (p.Ile240Val). In summary, the available evidence is currently insufficient to determine the role of this variant in disease. Therefore, it has been classified as a Variant of Uncertain Significance. Algorithms developed to predict the effect of missense changes on protein structure and function output the following: SIFT: "Tolerated"; PolyPhen-2: "Benign"; Align-GVGD: "Class C0". The valine amino acid residue is found in multiple mammalian species, which suggests that this missense change does not adversely affect protein function.

Ambry Genetics
Classification: Uncertain significance for Cardiovascular phenotype. Last evaluated: 2021-12-08. Review status: criteria provided, single submitter. Criteria: Ambry Variant Classification Scheme 2023. Collection method: clinical testing. Allele origin: germline.
Comment: The p.I240V variant (also known as c.718A>G), located in coding exon 5 of the MYOZ2 gene, results from an A to G substitution at nucleotide position 718. The isoleucine at codon 240 is replaced by valine, an amino acid with highly similar properties. This amino acid position is conserved. In addition, this alteration is predicted to be tolerated by in silico analysis. Since supporting evidence is limited at this time, the clinical significance of this alteration remains unclear.

GeneDx
Classification: Uncertain significance. Last evaluated: 2017-02-27. Review status: criteria provided, single submitter. Criteria: GeneDx Variant Classification (06012015). Collection method: clinical testing. Allele origin: germline. Affected: yes.
Comment: A variant of uncertain significance has been identified in the MYOZ2 gene. The I240V variant has not been published as pathogenic or been reported as benign to our knowledge. This variant is not observed in large population cohorts (Lek et al., 2016; 1000 Genomes Consortium et al., 2015; Exome Variant Server). However, the I240V variant is a conservative amino acid substitution, which is not likely to impact secondary protein structure as these residues share similar properties. This substitution occurs at a position that is not conserved across species and where valine is the wild type in at least three species. Finally, in silico analysis suggests that this variant likely does not alter the protein structure/function.

NM_016599.5(MYOZ2):c.718A>G (p.Ile240Val)

Gene: MYOZ2 (myozenin 2; plus strand). Cytogenetic location: 4q26.
Variant type: single nucleotide variant.
Coding change: c.718A>G on transcript NM_016599.5 (MANE Select); coding-DNA position 718, A replaced by G.
Protein change: p.Ile240Val; replaces isoleucine 240 with valine.
Molecular consequence: missense variant.
Genome position (GRCh38, 1-based): chr4:119,186,123, A>G. VCF-style: chr4-119186123-A-G. GRCh37 (hg19) VCF-style: chr4-120107278-A-G.
Other names: short protein forms I240V.
Identifiers: ClinVar variation 423892 (VCV000423892.8), dbSNP rs1064796685, ClinGen allele CA16618028.